The following is an entry in ClinVar:

NM_005633.4(SOS1):c.1191A>G (p.Lys397=)

Gene: SOS1 (SOS Ras/Rac guanine nucleotide exchange factor 1; minus strand). Cytogenetic location: 2p22.1.
Variant type: single nucleotide variant.
Coding change: c.1191A>G on transcript NM_005633.4 (MANE Select); coding-DNA position 1191, A replaced by G.
Protein change: p.Lys397=; no amino-acid change (lysine 397 retained).
Molecular consequence: synonymous variant.
Genome position (GRCh38, 1-based): chr2:39,024,021, T>C on the plus strand (A>G on the coding strand, the complement: SOS1 is on the minus strand). VCF-style: chr2-39024021-T-C. GRCh37 (hg19) VCF-style: chr2-39251162-T-C.
Other names: c.1170A>G, p.Lys390= (NM_001382394.1); c.1191A>G, p.Lys397= (NM_001382395.1).
Identifiers: ClinVar variation 477716 (VCV000477716.24), dbSNP rs770175415, ClinGen allele CA1624632.

ClinVar aggregate classification (germline): Likely benign. Review status: criteria provided, multiple submitters, no conflicts (2 of 4 stars). 5 submissions from 4 submitters: Likely benign (5). Last evaluated 2025-02-01.

Conditions:
Cardiovascular phenotype. Identifiers: MedGen CN230736.
RASopathy. Also called: rasopathies; Noonan spectrum disorder. Identifiers: Orphanet 536391, MedGen C5555857, MONDO:0021060.
Fibromatosis, gingival, 1 (GINGF1). Identifiers: Orphanet 2024, MedGen C4551558, MONDO:0007609, OMIM 135300.
Noonan syndrome 4 (NS4). Also called: NOONAN SYNDROME WITH PIGMENTED VILLONODULAR SYNOVITIS; SOS1-Related Noonan Syndrome. Identifiers: Orphanet 648, MedGen C1853120, MONDO:0012547, OMIM 610733.

Allele frequency attached by ClinVar (database versions not stated): ExAC 0.00001; gnomAD exomes 0.00001.
gnomAD v4.1: 3 of 1,599,988 alleles (0.00019%); highest among the groups gnomAD compares: Admixed American, 0.0033%; no homozygotes.

Submissions (5):

CeGaT Center for Human Genetics Tuebingen
Classification: Likely benign. Last evaluated: 2025-02-01. Review status: criteria provided, single submitter. Criteria: CeGaT Center For Human Genetics Tuebingen Variant Classification Criteria Version 2. Collection method: clinical testing. Allele origin: germline. Affected: yes. Observed: 1 variant allele.
Comment: SOS1: BP4, BP7

Labcorp Genetics (formerly Invitae), Labcorp
Classification: Likely benign for RASopathy. Last evaluated: 2024-09-21. Review status: criteria provided, single submitter. Criteria: Invitae Variant Classification Sherloc (09022015). Collection method: clinical testing. Allele origin: germline.

Ambry Genetics
Classification: Likely benign for Cardiovascular phenotype. Last evaluated: 2022-07-06. Review status: criteria provided, single submitter. Criteria: Ambry Variant Classification Scheme 2023. Collection method: clinical testing. Allele origin: germline.

Genome-Nilou Lab
Classification: Likely benign for Noonan syndrome 4. Review status: criteria provided, single submitter. Criteria: ACMG Guidelines, 2015. Collection method: clinical testing. Allele origin: germline.

Genome-Nilou Lab
Classification: Likely benign for Fibromatosis, gingival, 1. Review status: criteria provided, single submitter. Criteria: ACMG Guidelines, 2015. Collection method: clinical testing. Allele origin: germline.